The following is an entry in ClinVar:

ClinVar aggregate classification (germline): Uncertain significance (1 of 4 stars; one submission).

Submission:

Labcorp Genetics (formerly Invitae), Labcorp
Classification: Uncertain significance. Last evaluated: 2022-08-20. Review status: criteria provided, single submitter. Criteria: Invitae Variant Classification Sherloc (09022015). Collection method: clinical testing. Allele origin: germline.
Comment: In summary, the available evidence is currently insufficient to determine the role of this variant in disease. Therefore, it has been classified as a Variant of Uncertain Significance. This variant has not been reported in the literature in individuals affected with COL10A1-related conditions. This variant is not present in population databases (gnomAD no frequency). This variant, c.1851_1852insTCT, results in the insertion of 1 amino acid(s) of the COL10A1 protein (p.Asn617_Gly618insSer), but otherwise preserves the integrity of the reading frame.

NM_000493.4(COL10A1):c.1851_1852insTCT (p.Asn617_Gly618insSer)

Genes: COL10A1 (collagen type X alpha 1 chain; minus strand), NT5DC1 (5'-nucleotidase domain containing 1; plus strand). Cytogenetic location: 6q22.1.
Variant type: Insertion.
Coding change: c.1851_1852insTCT on transcript NM_000493.4 (MANE Select); coding-DNA positions 1851 to 1852, TCT inserted.
Protein change: p.Asn617_Gly618insSer.
Molecular consequence: inframe insertion. On other transcripts: intron variant (1).
Genome position: GRCh38 VCF-style: chr6-116120264-C-CAGA. GRCh37 (hg19) VCF-style: chr6-116441427-C-CAGA.
Other names: c.1851_1852insTCT, p.Asn617_Gly618insSer (NM_001424106.1, NM_001424107.1); c.529+2320_529+2321insGAA (NM_152729.3).
Identifiers: ClinVar variation 2025170 (VCV002025170.4), dbSNP rs2534084254, ClinGen allele CA2580074798.
Genomic context (GRCh38, chr6:116,120,264, plus strand): 5'-CTGAAGCCTGATCCAGGTAGCCTTTGGTGTATTCATCATAGGTGTACATTACAGGGGTGC[C>CAGA]ATTCTTATACAGGCCTACCCAAACATGAGTCCCTTTCACATGCACGTGGTATGAAAAATA-3'